The following is an entry in ClinVar:

NM_000350.3(ABCA4):c.2828G>A (p.Arg943Gln)

Gene: ABCA4 (ATP binding cassette subfamily A member 4; minus strand). Cytogenetic location: 1p22.1.
Variant type: single nucleotide variant.
Coding change: c.2828G>A on transcript NM_000350.3 (MANE Select); coding-DNA position 2828, G replaced by A.
Protein change: p.Arg943Gln; replaces arginine 943 with glutamine.
Molecular consequence: missense variant.
Genome position (GRCh38, 1-based): chr1:94,047,009, C>T on the plus strand (G>A on the coding strand, the complement: ABCA4 is on the minus strand). VCF-style: chr1-94047009-C-T. GRCh37 (hg19) VCF-style: chr1-94512565-C-T.
Other names: p.R943Q:CGG>CAG; NM_000350.3(ABCA4):c.2828G>A; c.2606G>A, p.Arg869Gln (NM_001425324.1); short protein forms R943Q, R869Q.
Identifiers: ClinVar variation 7913 (VCV000007913.46), dbSNP rs1801581, ClinGen allele CA119146.
Genomic context (GRCh38, chr1:94,047,009, plus strand): 5'-CCCAGGAATGCGGTGATCTGGTTCTCGTAGAAGGTGATGTTCAGACGGTCCACAGCTGGC[C>T]GGCCACAGGGCTCAAAAATCTTTACCAGATTCTTCACGCATACCCCAGGAACCCACCCTG-3'
Protein context (NP_000341.2, residues 933-953): NLVKIFEPCG[Arg943Gln]PAVDRLNITF

ClinVar aggregate classification (germline): Likely benign. Review status: reviewed by expert panel (3 of 4 stars). 23 submissions from 22 submitters: Likely benign (1). 22 of the submissions do not count toward it. Last evaluated 2026-06-23.

Conditions:
ABCA4-related retinopathy. Also called: ABCA4 retinoapthy; ABCA4-related retinoapthy. Identifiers: MedGen CN322612, MONDO:0800406.
ABCA4-related disorder. Also called: ABCA4-related disorders; ABCA4-related condition. Identifiers: MedGen CN239167.
Retinal dystrophy. Also called: Inherited retinal dystrophy. Identifiers: Orphanet 71862, MedGen C0854723, MeSH D058499, MONDO:0019118, HP:0000556.
Stargardt disease (FFM). Also called: Stargardt's disease; Fundus flavimaculatus. Identifiers: Orphanet 827, MedGen C0271093, MONDO:0019353.
MACULAR DEGENERATION, AGE-RELATED, 2, SUSCEPTIBILITY TO.
Age related macular degeneration 2. Also called: MACULAR DEGENERATION, SENILE; MACULOPATHY, AGE-RELATED, 2; MACULOPATHY, AGE-RELATED. Identifiers: MedGen C3495438, MONDO:0007932, OMIM 153800.
Severe early-childhood-onset retinal dystrophy (STGD1). Also called: MACULAR DYSTROPHY WITH FLECKS, TYPE 1; Stargardt macular dystrophy; Juvenile onset macular degeneration; Stargardt disease 1; STGD. Identifiers: Orphanet 364055, Orphanet 827, MedGen C1855465, MeSH D000080362, MONDO:0009549, OMIM 248200.
Stargardt disease 3. Also called: MACULAR DYSTROPHY WITH FLECKS, TYPE 3; STARGARDT-LIKE MACULAR DYSTROPHY, AUTOSOMAL DOMINANT. Identifiers: Orphanet 827, MedGen C1838644, MONDO:0010819, OMIM 600110.

Allele frequency attached by ClinVar (database versions not stated): 1000 Genomes Project 30x 0.01468; 1000 Genomes Project 0.01538; gnomAD 0.02951; TOPMed 0.02799.
gnomAD v4.1: 65,522 of 1,614,062 alleles (4.1%); highest among the groups gnomAD compares: Non-Finnish European, 4.6%; 1,540 homozygotes.

Submissions 1 to 17 of 23:

ClinGen ABCA4 Variant Curation Expert Panel, Clingen
Classification: Likely benign for ABCA4-related retinopathy. Last evaluated: 2026-06-23. Review status: reviewed by expert panel. Criteria: ClinGen ABCA4 ACMG Specifications V1.0.0. Collection method: curation. Allele origin: germline. Inheritance: Autosomal recessive inheritance.
Comment: The NM_000350.3(ABCA4):c.2828G>A variant in ABCA4 is a missense variant predicted to cause substitution of arginine by glutamine at amino acid 943; p.Arg943Gln. The GroupMax filtering allele frequency in gnomAD v4.1.0 is 0.04612, which is greater than the ClinGen ABCA4 VCEP’s threshold for BS1 (>0.0163). Another missense variant, c.2827C>T; p.Arg943Trp (ClinVar ID:99162), in the same codon has been classified as likely pathogenic for ABCA4-related retinopathy by the ClinGen ABCA4 VCEP, and Splice AI revealed no expected effects on splicing for either variant (PM5_Supporting). In summary, this variant meets the criteria to be classified as likely benign for ABCA4-related retinopathy. Although there are both pathogenic and benign types of evidence for this variant, the pathogenic evidence is not considered inconsistent with the final classification. ACMG/AMP criteria applied, as specified by the ClinGen ABCA4 VCEP (Specification Version 1.0.0): BS1, PM5_Supporting.

Labcorp Genetics (formerly Invitae), Labcorp
Classification: Benign. Last evaluated: 2026-02-04. Review status: criteria provided, single submitter. Criteria: Invitae Variant Classification Sherloc (09022015). Collection method: clinical testing. Allele origin: germline. Not counted in ClinVar's aggregate classification.

3billion
Classification: Uncertain significance for Severe early-childhood-onset retinal dystrophy. Last evaluated: 2025-12-19. Review status: criteria provided, single submitter. Criteria: ACMG Guidelines, 2015. Collection method: clinical testing. Allele origin: germline. Affected: yes. Not counted in ClinVar's aggregate classification.
Comment: The variant is observed in the gnomAD v4.1.0 dataset (total allele frequency: 4.059%). Predicted Consequence/Location: Missense variant In silico tool predictions suggest damaging effect of the variant on gene or gene product [3Cnet: 0.79 (> 0.75, sensitivity 0.96 and precision 0.92)]. A different missense change at the same codon (p.Arg943Trp) has been reported as pathogenic/likely pathogenic with strong evidence (ClinVar ID: VCV000099162 /PMID: 9973280). The variant has been has been reported to be associated with ABCA4-related disorder as a potential risk allele (ClinVar ID: VCV000007913). Therefore, this variant is classified as VUS according to the recommendation of ACMG/AMP guideline.

Foundation for Research in Genetics and Endocrinology, FRIGE's Institute of Human Genetics
Classification: Uncertain significance for Age related macular degeneration 2. Last evaluated: 2025-09-22. Review status: criteria provided, single submitter. Criteria: ACMG Guidelines, 2015. Collection method: clinical testing. Allele origin: germline. Inheritance: Autosomal dominant inheritance. Affected: yes. Observed: 1 heterozygote. Not counted in ClinVar's aggregate classification.
Comment: The polymorphic heterozygous missense variant c.2828G>A; p.Arg943Gln, and it leads to a change in amino acid from Arginine to Glutamine at codon 943. This variant has been reported in population frequency databases such as gnomAD (MAF-4.0570%), ExAC (MAF-3.0711%) and South Asian (SAS) (MAF-4.1949%). This variant is predicted to be deleterious by in silico prediction tools such as DANN. In summary, the variant meets our criteria to be classified as variant of uncertain significance.

Blueprint Genetics
Classification: Likely benign. Last evaluated: 2024-11-26. Review status: criteria provided, single submitter. Criteria: ACMG Guidelines, 2015. Collection method: clinical testing. Allele origin: germline. Not counted in ClinVar's aggregate classification.

ARUP Laboratories, Molecular Genetics and Genomics, ARUP Laboratories
Classification: Benign. Last evaluated: 2023-11-22. Review status: criteria provided, single submitter. Criteria: ARUP Molecular Germline Variant Investigation Process 2024. Collection method: clinical testing. Allele origin: germline. Not counted in ClinVar's aggregate classification.

Dept Of Ophthalmology, Nagoya University
Classification: Benign for Retinal dystrophy. Last evaluated: 2023-10-01. Review status: criteria provided, single submitter. Criteria: Submitter's publication. Collection method: research. Allele origin: germline. Affected: yes. Not counted in ClinVar's aggregate classification.

Department of Pathology and Laboratory Medicine, Sinai Health System
Classification: Benign for ABCA4-related retinopathy. Last evaluated: 2023-02-21. Review status: criteria provided, single submitter. Criteria: ACMG Guidelines, 2015. Collection method: research. Allele origin: germline. Not counted in ClinVar's aggregate classification.

Institute of Human Genetics, University of Leipzig Medical Center
Classification: Established risk allele for Severe early-childhood-onset retinal dystrophy. Last evaluated: 2022-06-27. Review status: criteria provided, single submitter. Criteria: ClinGen Low Penetrance/Risk Allele Working Group Recommended Terminology – Version 1.0. Collection method: clinical testing. Allele origin: unknown. Affected: yes. Not counted in ClinVar's aggregate classification.
Comment: This variant was identified together with variant NM_000350.3:c.2588G>C.

Institute of Human Genetics, Univ. Regensburg, Univ. Regensburg
Classification: Likely benign for Retinal dystrophy. Last evaluated: 2022-01-01. Review status: criteria provided, single submitter. Criteria: ACMG Guidelines, 2015. Collection method: clinical testing. Allele origin: germline. Affected: yes. Not counted in ClinVar's aggregate classification.

Illumina Laboratory Services, Illumina
Classification: Likely benign for ABCA4-Related Disorders. Last evaluated: 2017-04-27. Review status: criteria provided, single submitter. Criteria: ICSL Variant Classification Criteria 13 December 2019. Collection method: clinical testing. Allele origin: germline. Not counted in ClinVar's aggregate classification.
Comment: This variant was observed as part of a predisposition screen in an ostensibly healthy population. A literature search was performed for the gene, cDNA change, and amino acid change (where applicable). No publications were found based on this search. Allele frequency data from public databases allowed determination this variant is unlikely to cause disease. Therefore, this variant is classified as likely benign.

Eurofins Ntd Llc (ga)
Classification: Benign. Last evaluated: 2013-11-26. Review status: criteria provided, single submitter. Criteria: EGL Classification Definitions 2015. Collection method: clinical testing. Allele origin: germline. Observed: 3 variant alleles, 3 heterozygotes. Not counted in ClinVar's aggregate classification.

GeneDx
Classification: Benign. Last evaluated: 2011-07-12. Review status: criteria provided, single submitter. Criteria: GeneDx Variant Classification (06012015). Collection method: clinical testing. Allele origin: germline. Affected: yes. Not counted in ClinVar's aggregate classification.
Comment: This variant is considered likely benign or benign based on one or more of the following criteria: it is a conservative change, it occurs at a poorly conserved position in the protein, it is predicted to be benign by multiple in silico algorithms, and/or has population frequency not consistent with disease.

Breakthrough Genomics
Classification: Likely benign. Review status: criteria provided, single submitter. Criteria: ACMG Guidelines, 2015. Collection method: not provided. Allele origin: germline. Inheritance: Autosomal recessive inheritance. Affected: yes. Not counted in ClinVar's aggregate classification.

PreventionGenetics, part of Exact Sciences
Classification: Benign. Review status: criteria provided, single submitter. Criteria: ACMG Guidelines, 2015. Collection method: clinical testing. Allele origin: germline. Not counted in ClinVar's aggregate classification.

Sharon lab, Hadassah-Hebrew University Medical Center
Classification: Likely pathogenic for Stargardt disease. Last evaluated: 2019-06-23. Review status: no assertion criteria provided. Collection method: research. Allele origin: inherited. Affected: yes. Not counted in ClinVar's aggregate classification.

OMIM
Classification: risk factor for MACULAR DEGENERATION, AGE-RELATED, 2, SUSCEPTIBILITY TO. Last evaluated: 2002-06-14. Review status: no assertion criteria provided. Collection method: literature only. Allele origin: germline. Not counted in ClinVar's aggregate classification.